The following is an entry in ClinVar:

NM_007254.4(PNKP):c.538C>T (p.Arg180Cys)

Gene: PNKP (polynucleotide kinase 3'-phosphatase; minus strand). Cytogenetic location: 19q13.33.
Variant type: single nucleotide variant.
Coding change: c.538C>T on transcript NM_007254.4 (MANE Select); coding-DNA position 538, C replaced by T.
Protein change: p.Arg180Cys; replaces arginine 180 with cysteine.
Molecular consequence: missense variant.
Genome position (GRCh38, 1-based): chr19:49,864,364, G>A on the plus strand (C>T on the coding strand, the complement: PNKP is on the minus strand). VCF-style: chr19-49864364-G-A. GRCh37 (hg19) VCF-style: chr19-50367621-G-A.
Other names: c.538C>T (NM_007254.2); short protein forms R180C.
Identifiers: ClinVar variation 655199 (VCV000655199.16), dbSNP rs3739185, ClinGen allele CA9586910.

ClinVar aggregate classification (germline): Uncertain significance. Review status: criteria provided, multiple submitters, no conflicts (2 of 4 stars). 5 submissions from 5 submitters: Uncertain significance (5). Last evaluated 2025-06-02.

Conditions:
Inborn genetic diseases. Identifiers: MedGen C0950123, MeSH D030342.
Developmental and epileptic encephalopathy, 12 (DEE12). Identifiers: MedGen C3150988, MONDO:0013389, OMIM 613722.

Submissions (5):

GeneDx
Classification: Uncertain significance. Last evaluated: 2025-06-02. Review status: criteria provided, single submitter. Criteria: GeneDx Variant Classification Process June 2021. Collection method: clinical testing. Allele origin: germline. Affected: yes.
Comment: Not observed at significant frequency in large population cohorts (gnomAD); In silico analysis supports that this missense variant has a deleterious effect on protein structure/function; Has not been previously published as pathogenic or benign to our knowledge; This variant is associated with the following publications: (PMID: 22508754, 18518984, 32579932, 26659599, 27527004)

Women's Health and Genetics/Laboratory Corporation of America, LabCorp
Classification: Uncertain significance. Last evaluated: 2024-12-03. Review status: criteria provided, single submitter. Criteria: LabCorp Variant Classification Summary - May 2015. Collection method: clinical testing. Allele origin: germline.
Comment: Variant summary: PNKP c.538C>T (p.Arg180Cys) results in a non-conservative amino acid change located in the Polynucleotide 3'-phosphatase domain (IPR006551) of the encoded protein sequence. Three of five in-silico tools predict a damaging effect of the variant on protein function. The variant allele was found at a frequency of 3.2e-05 in 251444 control chromosomes. The available data on variant occurrences in the general population are insufficient to allow any conclusion about variant significance. To our knowledge, no occurrence of c.538C>T in individuals affected with Ataxia - oculomotor apraxia type 4 and no experimental evidence demonstrating its impact on protein function have been reported. ClinVar contains an entry for this variant (Variation ID: 655199). Based on the evidence outlined above, the variant was classified as uncertain significance.

Labcorp Genetics (formerly Invitae), Labcorp
Classification: Uncertain significance for Developmental and epileptic encephalopathy, 12. Last evaluated: 2022-08-23. Review status: criteria provided, single submitter. Criteria: Invitae Variant Classification Sherloc (09022015). Collection method: clinical testing. Allele origin: germline.
Comment: This sequence change replaces arginine, which is basic and polar, with cysteine, which is neutral and slightly polar, at codon 180 of the PNKP protein (p.Arg180Cys). This variant is present in population databases (rs3739185, gnomAD 0.01%). This variant has not been reported in the literature in individuals affected with PNKP-related conditions. ClinVar contains an entry for this variant (Variation ID: 655199). Algorithms developed to predict the effect of missense changes on protein structure and function (SIFT, PolyPhen-2, Align-GVGD) all suggest that this variant is likely to be disruptive. In summary, the available evidence is currently insufficient to determine the role of this variant in disease. Therefore, it has been classified as a Variant of Uncertain Significance.

Ambry Genetics
Classification: Uncertain significance for Inborn genetic diseases. Last evaluated: 2022-01-28. Review status: criteria provided, single submitter. Criteria: Ambry Variant Classification Scheme 2023. Collection method: clinical testing. Allele origin: germline.

Mayo Clinic Laboratories, Mayo Clinic
Classification: Uncertain significance. Last evaluated: 2020-01-31. Review status: criteria provided, single submitter. Criteria: ACMG Guidelines, 2015. Collection method: clinical testing. Allele origin: germline. Observed: 1 variant allele.